The following is an entry in ClinVar:

NM_000077.5(CDKN2A):c.175_212del (p.Val59fs)

Gene: CDKN2A (cyclin dependent kinase inhibitor 2A; minus strand). Cytogenetic location: 9p21.3.
Variant type: Deletion.
Coding change: c.175_212del on transcript NM_000077.5; coding-DNA positions 175 to 212, 38 bases deleted.
Protein change: p.Val59fs; shifts the reading frame from valine 59.
Molecular consequence: frameshift variant (on NM_000077.4). On other transcripts: 3 prime UTR variant (1).
Genome position (GRCh38, 1-based): chr9:21,971,147-21,971,184, 38 bases deleted; deleting any 38 consecutive bases within chr9:21,971,147-21,971,185 gives the same sequence; the c. name uses the placement nearest the transcript's 3' end. GRCh37 (hg19): chr9:21,971,147-21,971,184.
Other names: c.175_212del38 (NM_000077.4); c.174_211del38, p.Val59Leufs (NM_000077.6); c.175_212del, p.Val59fs (NM_001195132.2); c.22_59del, p.Val8fs (NM_001363763.2); c.218_255del, p.Ser73fs (NM_058195.4); c.*98_*135del (NM_058197.5); short protein forms S73fs, V59fs, V8fs.
Identifiers: ClinVar variation 230340 (VCV000230340.5), dbSNP rs876658511, ClinGen allele CA10578843.
Genomic context (GRCh38, chr9:21,971,146, plus strand): 5'-CAGGAAGCCCTCCCGGGCAGCGTCGTGCACGGGTCGGGTGAGAGTGGCGGGGTCGGCGCA[GTTGGGCTCCGCGCCGTGGAGCAGCAGCAGCTCCGCCAC>G]TCGGGCGCTGCCCATCATCATGACCTGCCAGAGAGAACAGAATGGTCAGAGCCAGGGTGG-3'

ClinVar aggregate classification (germline): Pathogenic (1 of 4 stars; one submission).

Conditions:
Hereditary cancer-predisposing syndrome. Also called: Neoplastic Syndromes, Hereditary; Hereditary Cancer Syndrome; Tumor predisposition; Hereditary neoplastic syndrome. Identifiers: Orphanet 140162, MedGen C0027672, MeSH D009386, MONDO:0015356.

Submission:

Ambry Genetics
Classification: Pathogenic for Hereditary cancer-predisposing syndrome. Last evaluated: 2015-02-06. Review status: criteria provided, single submitter. Criteria: Ambry Variant Classification Scheme 2023. Collection method: clinical testing. Allele origin: germline.
Comment: The c.175_212del38 pathogenic mutation, located in coding exon 2 of the CDKN2A gene, results from a deletion of 38 nucleotides positions 175 to 212, causing a translational frameshift with a predicted alternate stop codon. Since frameshifts are typically deleterious in nature, this alteration is interpreted as a disease-causing mutation (ACMG Recommendations for Standards for Interpretation and Reporting of Sequence Variations. Revision 2007. Genet Med. 2008;10:294).